The following is an entry in ClinVar:

NM_000384.3(APOB):c.5274C>T (p.Asn1758=)

Gene: APOB (apolipoprotein B; minus strand). Cytogenetic location: 2p24.1.
Variant type: single nucleotide variant.
Coding change: c.5274C>T on transcript NM_000384.3 (MANE Select); coding-DNA position 5274, C replaced by T.
Protein change: p.Asn1758=; no amino-acid change (asparagine 1758 retained).
Molecular consequence: synonymous variant.
Genome position (GRCh38, 1-based): chr2:21,011,594, G>A on the plus strand (C>T on the coding strand, the complement: APOB is on the minus strand). VCF-style: chr2-21011594-G-A. GRCh37 (hg19) VCF-style: chr2-21234466-G-A.
Identifiers: ClinVar variation 630515 (VCV000630515.17), dbSNP rs374836160, ClinGen allele CA061877.

ClinVar aggregate classification (germline): Likely benign. Review status: criteria provided, multiple submitters, no conflicts (2 of 4 stars). 4 submissions from 4 submitters: Likely benign (3). 1 of the submissions does not count toward it. Last evaluated 2025-11-12.

Conditions:
Cardiovascular phenotype. Identifiers: MedGen CN230736.
Hypercholesterolemia, autosomal dominant, type B (FHCL2). Also called: APOB-Related Familial Hypercholesterolemia, Autosomal Dominant; Hyperlipoproteinemia Type IIb; Familial Hypercholesterolemia Type B; APOLIPOPROTEIN B-100, FAMILIAL DEFECTIVE; APOLIPOPROTEIN B-100, FAMILIAL LIGAND-DEFECTIVE; Familial hypercholesterolemia 2. Identifiers: MedGen C1704417, MONDO:0007751, OMIM 144010.
Familial hypobetalipoproteinemia 1. Also called: APOB-Related Familial Hypobetalipoproteinemia; Hypobetalipoproteinemia, normotriglyceridemic; Acanthocytosis with hypobetalipoproteinemia. Identifiers: MedGen C4551990, MONDO:0014252, OMIM 615558.
Familial hypercholesterolemia. Also called: Familial hypercholesterolemias; Familial hypercholesterolaemia. Identifiers: MedGen C0020445, MONDO:0005439.
APOB-related disorder. Also called: APOB-related disorders; APOB-related condition.

Allele frequency attached by ClinVar (database versions not stated): gnomAD 0.00002 and 0.00007; TOPMed 0.00003; gnomAD exomes 0.00004 and 0.00014; ExAC 0.00014; 1000 Genomes Project 30x 0.00062; 1000 Genomes Project 0.00080.
gnomAD v4.1: 74 of 1,614,200 alleles (0.0046%); highest among the groups gnomAD compares: East Asian, 0.047%; 1 homozygote.

Submissions (4):

Labcorp Genetics (formerly Invitae), Labcorp
Classification: Likely benign for Familial hypobetalipoproteinemia 1; Hypercholesterolemia, autosomal dominant, type B. Last evaluated: 2025-11-12. Review status: criteria provided, single submitter. Criteria: Invitae Variant Classification Sherloc (09022015). Collection method: clinical testing. Allele origin: germline.

GENinCode PLC
Classification: Likely benign for Familial hypercholesterolemia. Last evaluated: 2025-01-09. Review status: criteria provided, single submitter. Criteria: ACMG Guidelines, 2015. Collection method: clinical testing. Allele origin: germline.
Comment: This is a synonymous (silent) variant that is not predicted to impact splicing and occurs at a nucleotide which is not highly conserved. This variant has been classified as Likely Benign (BP4, BP7).

Ambry Genetics
Classification: Likely benign for Cardiovascular phenotype. Last evaluated: 2020-12-23. Review status: criteria provided, single submitter. Criteria: Ambry Variant Classification Scheme 2023. Collection method: clinical testing. Allele origin: germline.

PreventionGenetics, part of Exact Sciences
Classification: Likely benign for APOB-related condition. Last evaluated: 2024-03-14. Review status: no assertion criteria provided. Collection method: clinical testing. Allele origin: germline. Not counted in ClinVar's aggregate classification.
Comment: This variant is classified as likely benign based on ACMG/AMP sequence variant interpretation guidelines (Richards et al. 2015 PMID: 25741868, with internal and published modifications).